The following is an entry in ClinVar:

ClinVar aggregate classification (germline): Uncertain significance (1 of 4 stars; one submission).

Submission:

Ambry Genetics
Classification: Uncertain significance. Last evaluated: 2024-10-13. Review status: criteria provided, single submitter. Criteria: Ambry Variant Classification Scheme 2023. Collection method: clinical testing. Allele origin: germline.
Comment: The p.G599D variant (also known as c.1796G>A), located in coding exon 17 of the PRKDC gene, results from a G to A substitution at nucleotide position 1796. The glycine at codon 599 is replaced by aspartic acid, an amino acid with similar properties. This amino acid position is conserved. In addition, this alteration is predicted to be tolerated by in silico analysis. Based on the available evidence, the clinical significance of this variant remains unclear.

NM_006904.7(PRKDC):c.1796G>A (p.Gly599Asp)

Gene: PRKDC (protein kinase, DNA-activated, catalytic subunit; minus strand). Cytogenetic location: 8q11.21.
Variant type: single nucleotide variant.
Coding change: c.1796G>A on transcript NM_006904.7 (MANE Select); coding-DNA position 1796, G replaced by A.
Protein change: p.Gly599Asp; replaces glycine 599 with aspartic acid.
Molecular consequence: missense variant.
Genome position (GRCh38, 1-based): chr8:47,930,768, C>T on the plus strand (G>A on the coding strand, the complement: PRKDC is on the minus strand). VCF-style: chr8-47930768-C-T. GRCh37 (hg19) VCF-style: chr8-48843328-C-T.
Other names: c.1796G>A, p.Gly599Asp (NM_001081640.2); short protein forms G599D.
Identifiers: ClinVar variation 3425356 (VCV003425356.1).